The following is an entry in ClinVar:

NM_002294.3(LAMP2):c.1084T>C (p.Tyr362His)

Gene: LAMP2 (lysosome associated membrane protein 2; minus strand). Cytogenetic location: Xq24.
Variant type: single nucleotide variant.
Coding change: c.1084T>C on transcript NM_002294.3 (MANE Select); coding-DNA position 1084, T replaced by C.
Protein change: p.Tyr362His; replaces tyrosine 362 with histidine.
Molecular consequence: missense variant.
Genome position (GRCh38, 1-based): chrX:120,441,739, A>G on the plus strand (T>C on the coding strand, the complement: LAMP2 is on the minus strand). VCF-style: chrX-120441739-A-G. GRCh37 (hg19) VCF-style: chrX-119575594-A-G.
Other names: c.1084T>C, p.Tyr362His (NM_001122606.1, NM_013995.2); short protein forms Y362H.
Identifiers: ClinVar variation 2507134 (VCV002507134.4), dbSNP rs367740222, ClinGen allele CA10505208.

ClinVar aggregate classification (germline): Uncertain significance. Review status: criteria provided, multiple submitters, no conflicts (2 of 4 stars). 2 submissions from 2 submitters: Uncertain significance (2). Last evaluated 2024-09-17.

Conditions:
Danon disease. Also called: Glycogen Storage Disease Type IIb; ANTOPOL DISEASE; PSEUDOGLYCOGENOSIS II; GSD IIb; LYSOSOMAL GLYCOGEN STORAGE DISEASE WITHOUT ACID MALTASE DEFICIENCY. Identifiers: Orphanet 34587, MedGen C0878677, MONDO:0010281, OMIM 300257.

Allele frequency attached by ClinVar (database versions not stated): ExAC 0.00001; ESP Exome Variant Server 0.00009.

Submissions (2):

Labcorp Genetics (formerly Invitae), Labcorp
Classification: Uncertain significance for Danon disease. Last evaluated: 2024-09-17. Review status: criteria provided, single submitter. Criteria: Invitae Variant Classification Sherloc (09022015). Collection method: clinical testing. Allele origin: germline.
Comment: This sequence change replaces tyrosine, which is neutral and polar, with histidine, which is basic and polar, at codon 362 of the LAMP2 protein (p.Tyr362His). This variant is present in population databases (rs367740222, gnomAD 0.008%). This variant has not been reported in the literature in individuals affected with LAMP2-related conditions. ClinVar contains an entry for this variant (Variation ID: 2507134). Invitae Evidence Modeling of protein sequence and biophysical properties (such as structural, functional, and spatial information, amino acid conservation, physicochemical variation, residue mobility, and thermodynamic stability) indicates that this missense variant is expected to disrupt LAMP2 protein function with a positive predictive value of 80%. In summary, the available evidence is currently insufficient to determine the role of this variant in disease. Therefore, it has been classified as a Variant of Uncertain Significance.

GeneDx
Classification: Uncertain significance. Last evaluated: 2022-12-27. Review status: criteria provided, single submitter. Criteria: GeneDx Variant Classification Process June 2021. Collection method: clinical testing. Allele origin: germline. Affected: yes.
Comment: Not observed at significant frequency in large population cohorts (gnomAD); In silico analysis supports that this missense variant has a deleterious effect on protein structure/function; Has not been previously published as pathogenic or benign to our knowledge